The following is an entry in ClinVar:

ClinVar aggregate classification (germline): Conflicting classifications of pathogenicity. Review status: criteria provided, conflicting classifications (1 of 4 stars). 5 submissions from 5 submitters: Uncertain significance (3); Likely benign (1). 1 of the submissions does not count toward it. Last evaluated 2026-01-28.

Conditions:
Galactosylceramide beta-galactosidase deficiency. Also called: GALACTOCEREBROSIDASE DEFICIENCY; GALC DEFICIENCY; GLOBOID CELL LEUKOENCEPHALOPATHY; Leukodystrophy, Globoid Cell; Krabbe Disease. Identifiers: Orphanet 487, MedGen C0023521, MONDO:0009499, OMIM 245200.
GALC-related disorder. Also called: GALC-related condition.

Allele frequency attached by ClinVar (database versions not stated): gnomAD exomes 0.00012 and 0.00024; ExAC 0.00025; 1000 Genomes Project 0.00040; 1000 Genomes Project 30x 0.00047; gnomAD 0.00100 and 0.00107; TOPMed 0.00106; ESP Exome Variant Server 0.00117.
gnomAD v4.1: 334 of 1,613,168 alleles (0.021%); highest among the groups gnomAD compares: African/African-American, 0.34%; no homozygotes.

Submissions (5):

Labcorp Genetics (formerly Invitae), Labcorp
Classification: Likely benign for Galactosylceramide beta-galactosidase deficiency. Last evaluated: 2026-01-28. Review status: criteria provided, single submitter. Criteria: Invitae Variant Classification Sherloc (09022015). Collection method: clinical testing. Allele origin: germline.

Mayo Clinic Laboratories, Mayo Clinic
Classification: Uncertain significance. Last evaluated: 2021-06-18. Review status: criteria provided, single submitter. Criteria: ACMG Guidelines, 2015. Collection method: clinical testing. Allele origin: germline.

Illumina Laboratory Services, Illumina
Classification: Uncertain significance for Galactosylceramide beta-galactosidase deficiency. Last evaluated: 2018-01-13. Review status: criteria provided, single submitter. Criteria: ICSL Variant Classification Criteria 13 December 2019. Collection method: clinical testing. Allele origin: germline.

Genetic Services Laboratory, University of Chicago
Classification: Uncertain significance. Last evaluated: 2015-06-30. Review status: criteria provided, single submitter. Criteria: ACMG Guidelines, 2015. Collection method: clinical testing. Allele origin: germline.

PreventionGenetics, part of Exact Sciences
Classification: Likely benign for GALC-related condition. Last evaluated: 2023-06-06. Review status: no assertion criteria provided. Collection method: clinical testing. Allele origin: germline. Not counted in ClinVar's aggregate classification.
Comment: This variant is classified as likely benign based on ACMG/AMP sequence variant interpretation guidelines (Richards et al. 2015 PMID: 25741868, with internal and published modifications).

NM_000153.4(GALC):c.659G>A (p.Arg220Gln)

Gene: GALC (galactosylceramidase; minus strand). Cytogenetic location: 14q31.3.
Variant type: single nucleotide variant.
Coding change: c.659G>A on transcript NM_000153.4 (MANE Select); coding-DNA position 659, G replaced by A.
Protein change: p.Arg220Gln; replaces arginine 220 with glutamine.
Molecular consequence: missense variant.
Genome position (GRCh38, 1-based): chr14:87,976,451, C>T on the plus strand (G>A on the coding strand, the complement: GALC is on the minus strand). VCF-style: chr14-87976451-C-T. GRCh37 (hg19) VCF-style: chr14-88442795-C-T.
Other names: p.Arg220Gln; c.590G>A, p.Arg197Gln (NM_001201401.2); c.581G>A, p.Arg194Gln (NM_001201402.2); short protein forms R220Q, R194Q, R197Q.
Identifiers: ClinVar variation 211059 (VCV000211059.26), dbSNP rs199967869, ClinGen allele CA206409.
Genomic context (GRCh38, chr14:87,976,451, plus strand): 5'-TCAAGGAGCATGGATGCAGAGATGGACTCCCAGAGATTATCACTTGCTATGATTTTCACT[C>T]GCTGGAGACCTTGATAATTCAGCATTTTTCTTAATATCTTTTGGAGTAAGAAACAGAACA-3'
Protein context (NP_000144.2, residues 210-230): RKMLNYQGLQ[Arg220Gln]VKIIASDNLW